The following is an entry in ClinVar:

ClinVar aggregate classification (germline): Uncertain significance (1 of 4 stars; one submission).

Conditions:
MEGF10-related myopathy (CMYO10A). Also called: Congenital myopathy 10A, severe variant. Identifiers: Orphanet 439212, MedGen C3280679, MONDO:0013731, OMIM 614399.

Submission:

Labcorp Genetics (formerly Invitae), Labcorp
Classification: Uncertain significance for MEGF10-related myopathy. Last evaluated: 2020-11-07. Review status: criteria provided, single submitter. Criteria: Invitae Variant Classification Sherloc (09022015). Collection method: clinical testing. Allele origin: germline.
Comment: This variant has not been reported in the literature in individuals with MEGF10-related conditions. In summary, the available evidence is currently insufficient to determine the role of this variant in disease. Therefore, it has been classified as a Variant of Uncertain Significance. Nucleotide substitutions within the consensus splice site are a relatively common cause of aberrant splicing (PMID: 17576681, 9536098). Algorithms developed to predict the effect of sequence changes on RNA splicing suggest that this variant may disrupt the consensus splice site, but this prediction has not been confirmed by published transcriptional studies. This variant is not present in population databases (ExAC no frequency). This sequence change falls in intron 14 of the MEGF10 gene. It does not directly change the encoded amino acid sequence of the MEGF10 protein, but it affects a nucleotide within the consensus splice site of the intron.

Literature cited by the submitters: PubMed 17576681; PubMed 9536098.

NM_001256545.2(MEGF10):c.1694-3C>G

Gene: MEGF10 (multiple EGF like domains 10; plus strand). Cytogenetic location: 5q23.2.
Variant type: single nucleotide variant.
Coding change: c.1694-3C>G on transcript NM_001256545.2 (MANE Select); 3 bases into the intron before coding-DNA position 1694, C replaced by G.
Molecular consequence: intron variant.
Genome position (GRCh38, 1-based): chr5:127,433,360, C>G. VCF-style: chr5-127433360-C-G. GRCh37 (hg19) VCF-style: chr5-126769052-C-G.
Other names: c.1694-3C>G (NM_032446.3).
Identifiers: ClinVar variation 1058832 (VCV001058832.7), dbSNP rs2126999832, ClinGen allele CA2499217529.